The following is an entry in ClinVar:

ClinVar aggregate classification (germline): Uncertain significance. Review status: criteria provided, multiple submitters, no conflicts (2 of 4 stars). 3 submissions from 3 submitters: Uncertain significance (3). Last evaluated 2022-07-26.

Conditions:
Inborn genetic diseases. Identifiers: MedGen C0950123, MeSH D030342.
Mucopolysaccharidosis type 7 (MPS7). Also called: SLY SYNDROME; MPS VII; BETA-GLUCURONIDASE DEFICIENCY; GUSB DEFICIENCY. Identifiers: Orphanet 584, MedGen C0085132, MONDO:0009662, OMIM 253220.

Submissions (3):

GeneDx
Classification: Uncertain significance. Last evaluated: 2022-07-26. Review status: criteria provided, single submitter. Criteria: GeneDx Variant Classification Process June 2021. Collection method: clinical testing. Allele origin: germline. Affected: yes.
Comment: In silico analysis supports that this missense variant has a deleterious effect on protein structure/function; Has not been previously published as pathogenic or benign to our knowledge

Labcorp Genetics (formerly Invitae), Labcorp
Classification: Uncertain significance for Mucopolysaccharidosis type 7. Last evaluated: 2022-07-12. Review status: criteria provided, single submitter. Criteria: Invitae Variant Classification Sherloc (09022015). Collection method: clinical testing. Allele origin: germline.
Comment: This sequence change replaces histidine, which is basic and polar, with glutamine, which is neutral and polar, at codon 509 of the GUSB protein (p.His509Gln). This variant is present in population databases (rs201928248, gnomAD 0.05%). This variant has not been reported in the literature in individuals affected with GUSB-related conditions. Algorithms developed to predict the effect of missense changes on protein structure and function are either unavailable or do not agree on the potential impact of this missense change (SIFT: "Tolerated"; PolyPhen-2: "Possibly Damaging"; Align-GVGD: "Class C0"). Algorithms developed to predict the effect of sequence changes on RNA splicing suggest that this variant may create or strengthen a splice site. In summary, the available evidence is currently insufficient to determine the role of this variant in disease. Therefore, it has been classified as a Variant of Uncertain Significance.

Ambry Genetics
Classification: Uncertain significance for Inborn genetic diseases. Last evaluated: 2021-08-02. Review status: criteria provided, single submitter. Criteria: Ambry Variant Classification Scheme 2023. Collection method: clinical testing. Allele origin: germline.

NM_000181.4(GUSB):c.1527C>A (p.His509Gln)

Genes: GUSB (glucuronidase beta; minus strand), LOC126860055 (MED14-independent group 3 enhancer GRCh37_chr7:65432190-65433389; plus strand). Cytogenetic location: 7q11.21.
Variant type: single nucleotide variant.
Coding change: c.1527C>A on transcript NM_000181.4 (MANE Select); coding-DNA position 1527, C replaced by A.
Protein change: p.His509Gln; replaces histidine 509 with glutamine.
Molecular consequence: missense variant. On other transcripts: non-coding transcript variant (1).
Genome position (GRCh38, 1-based): chr7:65,967,857, G>T on the plus strand (C>A on the coding strand, the complement: GUSB is on the minus strand). VCF-style: chr7-65967857-G-T. GRCh37 (hg19) VCF-style: chr7-65432844-G-T.
Other names: c.1089C>A, p.His363Gln (NM_001284290.2); c.957C>A, p.His319Gln (NM_001293104.2); c.870C>A, p.His290Gln (NM_001293105.2); short protein forms H363Q, H290Q, H319Q, H509Q.
Identifiers: ClinVar variation 2069998 (VCV002069998.6), dbSNP rs201928248, ClinGen allele CA4276241.